The following is an entry in ClinVar:

NM_004281.4(BAG3):c.20C>T (p.Ser7Leu)

Gene: BAG3 (BAG cochaperone 3; plus strand). Cytogenetic location: 10q26.11.
Variant type: single nucleotide variant.
Coding change: c.20C>T on transcript NM_004281.4 (MANE Select); coding-DNA position 20, C replaced by T.
Protein change: p.Ser7Leu; replaces serine 7 with leucine.
Molecular consequence: missense variant.
Genome position (GRCh38, 1-based): chr10:119,651,695, C>T. VCF-style: chr10-119651695-C-T. GRCh37 (hg19) VCF-style: chr10-121411207-C-T.
Other names: short protein forms S7L.
Identifiers: ClinVar variation 2086877 (VCV002086877.4), dbSNP rs1473083093, ClinGen allele CA378294005.

ClinVar aggregate classification (germline): Uncertain significance (1 of 4 stars; one submission).

Conditions:
Dilated cardiomyopathy 1HH (CMD1HH). Identifiers: Orphanet 154, MedGen C3151293, MONDO:0013479, OMIM 613881.
Myofibrillar myopathy 6. Identifiers: Orphanet 199340, MedGen C2751831, MONDO:0013061, OMIM 612954.

Submission:

Labcorp Genetics (formerly Invitae), Labcorp
Classification: Uncertain significance for Dilated cardiomyopathy 1HH; Myofibrillar myopathy 6. Last evaluated: 2022-04-15. Review status: criteria provided, single submitter. Criteria: Invitae Variant Classification Sherloc (09022015). Collection method: clinical testing. Allele origin: germline.
Comment: Algorithms developed to predict the effect of missense changes on protein structure and function are either unavailable or do not agree on the potential impact of this missense change (SIFT: "Tolerated"; PolyPhen-2: "Probably Damaging"; Align-GVGD: "Class C0"). This sequence change replaces serine, which is neutral and polar, with leucine, which is neutral and non-polar, at codon 7 of the BAG3 protein (p.Ser7Leu). This variant is not present in population databases (gnomAD no frequency). This variant has not been reported in the literature in individuals affected with BAG3-related conditions. In summary, the available evidence is currently insufficient to determine the role of this variant in disease. Therefore, it has been classified as a Variant of Uncertain Significance.